The following is an entry in ClinVar:

NM_001415.4(EIF2S3):c.717A>G (p.Ile239Met)

Gene: EIF2S3 (eukaryotic translation initiation factor 2 subunit gamma; plus strand). Cytogenetic location: Xp22.11.
Variant type: single nucleotide variant.
Coding change: c.717A>G on transcript NM_001415.4 (MANE Select); coding-DNA position 717, A replaced by G.
Protein change: p.Ile239Met; replaces isoleucine 239 with methionine.
Molecular consequence: missense variant.
Genome position (GRCh38, 1-based): chrX:24,064,280, A>G. VCF-style: chrX-24064280-A-G. GRCh37 (hg19) VCF-style: chrX-24082397-A-G.
Other names: short protein forms I239M.
Identifiers: ClinVar variation 2585434 (VCV002585434.1), dbSNP rs2518576402, ClinGen allele CA412595702.

ClinVar aggregate classification (germline): Uncertain significance (1 of 4 stars; one submission).

Conditions:
MEHMO syndrome (MEHMO). Also called: MENTAL RETARDATION, X-LINKED, SYNDROMIC 20; MENTAL RETARDATION, X-LINKED, SYNDROMIC 25; Mental retardation, X-linked, syndromic, Borck type. Identifiers: Orphanet 85282, MedGen C1846278, MONDO:0010258, OMIM 300148.

Allele frequency attached by ClinVar (database versions not stated): gnomAD exomes below 0.00001.
gnomAD v4.1: 1 of 1,200,106 alleles (0.000083%); highest among the groups gnomAD compares: Non-Finnish European, 0.00011%; no homozygotes.

Submission:

Neuberg Centre For Genomic Medicine, NCGM
Classification: Uncertain significance for MEHMO syndrome. Review status: criteria provided, single submitter. Criteria: ACMG Guidelines, 2015. Collection method: clinical testing. Allele origin: germline. Inheritance: X-linked inheritance. Affected: yes.
Comment: The missense variant in c.717A>G (p.Ile239Met) in EIF2S3 gene has not been reported previously as a pathogenic variant nor as a benign variant, to our knowledge. The p.Ile239Met variant is novel (not in any individuals) in gnomAD Exomes and 1000 Genomes. The amino acid Ile at position 239 is changed to a Met changing protein sequence and it might alter its composition and physico-chemical properties. The variant is predicted to be damaging by both SIFT and PolyPhen2. The residue is conserved across species. The amino acid change p.Ile239Met in EIF2S3 is predicted as conserved by GERP++ and PhyloP across 100 vertebrates. For these reasons, this variant has been classified as Uncertain Significance.